The following is an entry in ClinVar:

NC_000001.10:g.(229637850_229641786)_(229644089_?)dup

Gene: NUP133 (nucleoporin 133; minus strand). Cytogenetic location: 1q42.13.
Variant type: Duplication.
Identifiers: ClinVar variation 4847130 (VCV004847130.1).

ClinVar aggregate classification (germline): Uncertain significance (1 of 4 stars; one submission).

Submission:

Women's Health and Genetics/Laboratory Corporation of America, LabCorp
Classification: Uncertain significance. Last evaluated: 2026-03-18. Review status: criteria provided, single submitter. Criteria: LabCorp Variant Classification Summary - May 2015. Collection method: clinical testing. Allele origin: germline.
Comment: Variant summary: The variant involves the duplication of exons 1-2 in the NUP133 gene. A presumed nomenclature of c.(?_-93)_(301+1_302-1)dup has been designated for the purposes of this classification. The variant was absent in 21690 control chromosomes. The exact breakpoint at the 5' end of this variant is unknown, therefore this duplication may extend upstream of the annotated region of this gene. It is predicted to duplicate a segment including the initiation codon, therefore its impact on the encoded protein is unknown. The available data on variant occurrences in the general population are insufficient to allow any conclusion about variant significance. To our knowledge, no occurrence of c.(?_-93)_(301+1_302-1)dup in individuals affected with NUP133-related conditions and no experimental evidence demonstrating its impact on protein function have been reported. No submitters have cited clinical-significance assessments for this variant to ClinVar. Based on the evidence outlined above, the variant was classified as uncertain significance.